The following is an entry in ClinVar:

NM_020223.4(FAM20C):c.1126G>A (p.Ala376Thr)

Gene: FAM20C (FAM20C golgi associated secretory pathway kinase; plus strand). Cytogenetic location: 7p22.3.
Variant type: single nucleotide variant.
Coding change: c.1126G>A on transcript NM_020223.4 (MANE Select); coding-DNA position 1126, G replaced by A.
Protein change: p.Ala376Thr; replaces alanine 376 with threonine.
Molecular consequence: missense variant.
Genome position (GRCh38, 1-based): chr7:255,902, G>A. VCF-style: chr7-255902-G-A. GRCh37 (hg19) VCF-style: chr7-295868-G-A.
Other names: short protein forms A376T.
Identifiers: ClinVar variation 4696760 (VCV004696760.1).

ClinVar aggregate classification (germline): Uncertain significance (1 of 4 stars; one submission).

gnomAD v4.1: 10 of 1,536,446 alleles (0.00065%); highest among the groups gnomAD compares: East Asian, 0.0049%; no homozygotes.

Submission:

Labcorp Genetics (formerly Invitae), Labcorp
Classification: Uncertain significance. Last evaluated: 2025-05-11. Review status: criteria provided, single submitter. Criteria: Invitae Variant Classification Sherloc (09022015). Collection method: clinical testing. Allele origin: germline.
Comment: This sequence change replaces alanine, which is neutral and non-polar, with threonine, which is neutral and polar, at codon 376 of the FAM20C protein (p.Ala376Thr). This variant is not present in population databases (gnomAD no frequency). This variant has not been reported in the literature in individuals affected with FAM20C-related conditions. Invitae Evidence Modeling of protein sequence and biophysical properties (such as structural, functional, and spatial information, amino acid conservation, physicochemical variation, residue mobility, and thermodynamic stability) has been performed for this missense variant. However, the output from this modeling did not meet the statistical confidence thresholds required to predict the impact of this variant on FAM20C protein function. In summary, the available evidence is currently insufficient to determine the role of this variant in disease. Therefore, it has been classified as a Variant of Uncertain Significance.